The following is an entry in ClinVar:

ClinVar aggregate classification (germline): Uncertain significance (0 of 4 stars; one submission).

Conditions:
MED13L-related disorder. Also called: MED13L-related condition.

Submission:

PreventionGenetics, part of Exact Sciences
Classification: Uncertain significance for MED13L-related condition. Last evaluated: 2024-02-20. Review status: no assertion criteria provided. Collection method: clinical testing. Allele origin: germline.
Comment: The MED13L c.3376_3381del6 variant is predicted to result in an in-frame deletion (p.Arg1126_Asn1127del). To our knowledge, this variant has not been reported in the literature or in a large population database, indicating this variant is rare. At this time, the clinical significance of this variant is uncertain due to the absence of conclusive functional and genetic evidence.

NM_015335.5(MED13L):c.3376_3381del (p.Arg1126_Asn1127del)

Gene: MED13L (mediator complex subunit 13L; minus strand). Cytogenetic location: 12q24.21.
Variant type: Deletion.
Coding change: c.3376_3381del on transcript NM_015335.5 (MANE Select); coding-DNA positions 3376 to 3381, 6 bases deleted (AGAAAC; older notation c.3376_3381delAGAAAC).
Protein change: p.Arg1126_Asn1127del.
Genome position (GRCh38, 1-based): chr12:115,991,573-115,991,578, GTTTCT deleted on the plus strand (AGAAAC on the coding strand, the reverse complement: MED13L is on the minus strand); deleting any 6 consecutive bases within chr12:115,991,573-115,991,580 gives the same sequence; the c. name uses the placement nearest the transcript's 3' end. VCF-style (leftmost placement, unchanged base first): chr12-115991572-AGTTTCT-A. GRCh37 (hg19) VCF-style: chr12-116429377-AGTTTCT-A.
Identifiers: ClinVar variation 3061405 (VCV003061405.2), dbSNP rs2499856930, ClinGen allele CA2740097579.